The following is an entry in ClinVar:

ClinVar aggregate classification (germline): Uncertain significance (1 of 4 stars; one submission).

Conditions:
Pontocerebellar hypoplasia type 1A (PCH1A). Also called: PONTOCEREBELLAR HYPOPLASIA WITH ANTERIOR HORN CELL DISEASE; PONTOCEREBELLAR HYPOPLASIA WITH INFANTILE SPINAL MUSCULAR ATROPHY. Identifiers: Orphanet 2254, Orphanet 88616, MedGen C1843504, MONDO:0011866, OMIM 607596.

Submission:

Labcorp Genetics (formerly Invitae), Labcorp
Classification: Uncertain significance for Pontocerebellar hypoplasia type 1A. Last evaluated: 2021-01-12. Review status: criteria provided, single submitter. Criteria: Invitae Variant Classification Sherloc (09022015). Collection method: clinical testing. Allele origin: germline.
Comment: This variant is not present in population databases (ExAC no frequency). This sequence change replaces alanine with serine at codon 232 of the VRK1 protein (p.Ala232Ser). The alanine residue is highly conserved and there is a moderate physicochemical difference between alanine and serine. This variant has not been reported in the literature in individuals with VRK1-related conditions. In summary, the available evidence is currently insufficient to determine the role of this variant in disease. Therefore, it has been classified as a Variant of Uncertain Significance. Algorithms developed to predict the effect of missense changes on protein structure and function (SIFT, PolyPhen-2, Align-GVGD) all suggest that this variant is likely to be disruptive, but these predictions have not been confirmed by published functional studies and their clinical significance is uncertain.

NM_003384.3(VRK1):c.694G>T (p.Ala232Ser)

Gene: VRK1 (VRK serine/threonine kinase 1; plus strand). Cytogenetic location: 14q32.2.
Variant type: single nucleotide variant.
Coding change: c.694G>T on transcript NM_003384.3 (MANE Select); coding-DNA position 694, G replaced by T.
Protein change: p.Ala232Ser; replaces alanine 232 with serine.
Molecular consequence: missense variant.
Genome position (GRCh38, 1-based): chr14:96,855,341, G>T. VCF-style: chr14-96855341-G-T. GRCh37 (hg19) VCF-style: chr14-97321678-G-T.
Other names: short protein forms A232S.
Identifiers: ClinVar variation 1364258 (VCV001364258.9), dbSNP rs2139802156, ClinGen allele CA390931310.